The following is an entry in ClinVar:

ClinVar aggregate classification (germline): Conflicting classifications of pathogenicity. Review status: criteria provided, conflicting classifications (1 of 4 stars). 4 submissions from 4 submitters: Uncertain significance (1); Likely benign (3). Last evaluated 2026-01-20.

Conditions:
Hereditary cancer-predisposing syndrome. Also called: Tumor predisposition; Neoplastic Syndromes, Hereditary; Hereditary neoplastic syndrome; Hereditary Cancer Syndrome. Identifiers: Orphanet 140162, MedGen C0027672, MeSH D009386, MONDO:0015356.
Rhabdoid tumor predisposition syndrome 2 (RTPS2). Identifiers: Orphanet 231108, Orphanet 69077, MedGen C2750074, MONDO:0013224, OMIM 613325.

gnomAD v4.1: 2 of 1,613,462 alleles (0.00012%); highest among the groups gnomAD compares: Non-Finnish European, 0.00017%; no homozygotes.

Submissions (4):

Labcorp Genetics (formerly Invitae), Labcorp
Classification: Likely benign for Rhabdoid tumor predisposition syndrome 2. Last evaluated: 2026-01-20. Review status: criteria provided, single submitter. Criteria: Invitae Variant Classification Sherloc (09022015). Collection method: clinical testing. Allele origin: germline.

Quest Diagnostics Nichols Institute San Juan Capistrano
Classification: Uncertain significance. Last evaluated: 2025-10-31. Review status: criteria provided, single submitter. Criteria: Quest Diagnostics criteria. Collection method: clinical testing. Allele origin: unknown.
Comment: The SMARCA4 c.2439-4T>C variant has not been reported in individuals with SMARCA4-related conditions in the published literature. This variant has not been reported in large, multi-ethnic general populations (Genome Aggregation Database). Analysis of this variant using software algorithms for the prediction of the effect of nucleotide changes on splicing yielded predictions that this variant does not affect SMARCA4 mRNA splicing. Based on the available information, we are unable to determine the clinical significance of this variant.

Ambry Genetics
Classification: Likely benign for Hereditary cancer-predisposing syndrome. Last evaluated: 2020-06-09. Review status: criteria provided, single submitter. Criteria: Ambry Variant Classification Scheme 2023. Collection method: clinical testing. Allele origin: germline.

ARUP Laboratories, Molecular Genetics and Genomics, ARUP Laboratories
Classification: Likely benign. Last evaluated: 2019-09-06. Review status: criteria provided, single submitter. Criteria: ARUP Molecular Germline Variant Investigation Process. Collection method: clinical testing. Allele origin: germline.

NM_003072.5(SMARCA4):c.2439-4T>C

Gene: SMARCA4 (SWI/SNF related BAF chromatin remodeling complex subunit ATPase 4; plus strand). Cytogenetic location: 19p13.2.
Variant type: single nucleotide variant.
Coding change: c.2439-4T>C on transcript NM_003072.5 (MANE Select); 4 bases into the intron before coding-DNA position 2439, T replaced by C.
Molecular consequence: intron variant.
Genome position (GRCh38, 1-based): chr19:11,018,953, T>C. VCF-style: chr19-11018953-T-C. GRCh37 (hg19) VCF-style: chr19-11129629-T-C.
Other names: c.2439-4T>C (NM_001128844.3, NM_001128849.3, NM_001128847.4 and 5 more transcripts).
Identifiers: ClinVar variation 415042 (VCV000415042.22), dbSNP rs1060504430, ClinGen allele CA16615921.